The following is an entry in ClinVar:

NM_001080432.3(FTO):c.*116C>T

Gene: FTO (FTO alpha-ketoglutarate dependent dioxygenase; plus strand). Cytogenetic location: 16q12.2.
Variant type: single nucleotide variant.
Coding change: c.*116C>T on transcript NM_001080432.3 (MANE Select); 116 bases downstream of the stop codon, C replaced by T.
Molecular consequence: 3 prime UTR variant.
Genome position (GRCh38, 1-based): chr16:54,112,031, C>T. VCF-style: chr16-54112031-C-T. GRCh37 (hg19) VCF-style: chr16-54145943-C-T.
Other names: c.*116C>T (NM_001363891.2, NM_001363894.2, NM_001363896.2 and 6 more transcripts); c.*234C>T (NM_001363903.2); c.*292C>T (NM_001363988.2).
Identifiers: ClinVar variation 319693 (VCV000319693.5), dbSNP rs533303860, ClinGen allele CA8058677.

ClinVar aggregate classification (germline): Benign (1 of 4 stars; one submission).

Conditions:
Lethal polymalformative syndrome, Boissel type. Also called: GROWTH RETARDATION, DEVELOPMENTAL DELAY, AND FACIAL DYSMORPHISM. Identifiers: Orphanet 210144, MedGen C2752001, MONDO:0013050, OMIM 612938.

Allele frequency attached by ClinVar (database versions not stated): gnomAD 0.00015 and 0.00065; TOPMed 0.00028; gnomAD exomes 0.00146 and 0.00245; ExAC 0.00351; 1000 Genomes Project 30x 0.00437; 1000 Genomes Project 0.00519.
gnomAD v4.1: 1,492 of 1,118,798 alleles (0.13%); highest among the groups gnomAD compares: South Asian, 1.6%; 26 homozygotes.

Submission:

Illumina Laboratory Services, Illumina
Classification: Benign for Lethal polymalformative syndrome, Boissel type. Last evaluated: 2018-01-13. Review status: criteria provided, single submitter. Criteria: ICSL Variant Classification Criteria 13 December 2019. Collection method: clinical testing. Allele origin: germline.
Comment: This variant was observed in the ICSL laboratory as part of a predisposition screen in an ostensibly healthy population. It had not been previously curated by ICSL or reported in the Human Gene Mutation Database (HGMD: prior to June 1st, 2018), and was therefore a candidate for classification through an automated scoring system. Utilizing variant allele frequency, disease prevalence and penetrance estimates, and inheritance mode, an automated score was calculated to assess if this variant is too frequent to cause the disease. Based on the score and internal cut-off values, a variant classified as benign is not then subjected to further curation. The score for this variant resulted in a classification of benign for this disease.